The following is an entry in ClinVar:

NM_006946.4(SPTBN2):c.5968C>T (p.Gln1990Ter)

Gene: SPTBN2 (spectrin beta, non-erythrocytic 2; minus strand). Cytogenetic location: 11q13.2.
Variant type: single nucleotide variant.
Coding change: c.5968C>T on transcript NM_006946.4 (MANE Select); coding-DNA position 5968, C replaced by T.
Protein change: p.Gln1990Ter; replaces glutamine 1990 with a stop codon.
Molecular consequence: nonsense.
Genome position (GRCh38, 1-based): chr11:66,689,162, G>A on the plus strand (C>T on the coding strand, the complement: SPTBN2 is on the minus strand). VCF-style: chr11-66689162-G-A. GRCh37 (hg19) VCF-style: chr11-66456633-G-A.
Other names: c.5989C>T, p.Gln1997Ter (NM_001411025.1); c.5968C>T, p.Gln1990Ter (NM_001437541.1); short protein forms Q1990*, Q1997*.
Identifiers: ClinVar variation 4850273 (VCV004850273.1).
Genomic context (GRCh38, chr11:66,689,162, plus strand): 5'-GAAGCCAGTCCATCTTCTCCTGCCACTTCTCAGCTGTCTCCTGGCGCCGTGCCTGCAGCT[G>A]AGACAGCTTCTCTGAGATCTGGGGGCGGGGGGCAGAGATATGAGTTAGCACCAGGATGTG-3'

ClinVar aggregate classification (germline): Likely pathogenic (1 of 4 stars; one submission).

Conditions:
Autosomal recessive spinocerebellar ataxia 14. Also called: CEREBELLAR ATAXIA, AUTOSOMAL RECESSIVE, SPECTRIN-ASSOCIATED, 1. Identifiers: Orphanet 352403, MedGen C4706415, MONDO:0014159, OMIM 615386.

gnomAD v4.1: 1 of 1,608,556 alleles (0.000062%); highest among the groups gnomAD compares: Non-Finnish European, 0.000085%; no homozygotes.

Submission:

First Genomix Gene Laboratory, Genetic Diagnostics Department
Classification: Likely pathogenic for Autosomal recessive spinocerebellar ataxia 14. Last evaluated: 2025-09-03. Review status: criteria provided, single submitter. Criteria: ACMG Guidelines, 2015. Collection method: clinical testing. Allele origin: germline. Inheritance: Autosomal recessive inheritance. Affected: no. Observed: 1 variant allele.